The following is an entry in ClinVar:

ClinVar aggregate classification (germline): Uncertain significance (1 of 4 stars; one submission).

gnomAD v4.1: 3 of 1,614,198 alleles (0.00019%); highest among the groups gnomAD compares: Non-Finnish European, 0.00025%; no homozygotes.

Submission:

Labcorp Genetics (formerly Invitae), Labcorp
Classification: Uncertain significance. Last evaluated: 2025-10-09. Review status: criteria provided, single submitter. Criteria: Invitae Variant Classification Sherloc (09022015). Collection method: clinical testing. Allele origin: germline.
Comment: This sequence change replaces leucine, which is neutral and non-polar, with valine, which is neutral and non-polar, at codon 269 of the TRPV6 protein (p.Leu269Val). This variant is not present in population databases (gnomAD no frequency). This variant has not been reported in the literature in individuals affected with TRPV6-related conditions. Experimental studies and prediction algorithms are not available or were not evaluated, and the functional significance of this variant is currently unknown. In summary, the available evidence is currently insufficient to determine the role of this variant in disease. Therefore, it has been classified as a Variant of Uncertain Significance.

NM_018646.6(TRPV6):c.805C>G (p.Leu269Val)

Gene: TRPV6 (transient receptor potential cation channel subfamily V member 6; minus strand). Cytogenetic location: 7q34.
Variant type: single nucleotide variant.
Coding change: c.805C>G on transcript NM_018646.6 (MANE Select); coding-DNA position 805, C replaced by G.
Protein change: p.Leu269Val; replaces leucine 269 with valine.
Molecular consequence: missense variant.
Genome position (GRCh38, 1-based): chr7:142,876,485, G>C on the plus strand (C>G on the coding strand, the complement: TRPV6 is on the minus strand). VCF-style: chr7-142876485-G-C. GRCh37 (hg19) VCF-style: chr7-142574238-G-C.
Other names: short protein forms L269V.
Identifiers: ClinVar variation 4799843 (VCV004799843.1).
Genomic context (GRCh38, chr7:142,876,485, plus strand): 5'-CTCCAGCCAGCTTGAAAGGGGTGAGACCCTGGTGATTGGGCACGAGGTCCAGGGGCTGCA[G>C]GTGGTCCCCATGTCTGTCGTAGGACAGCAACAGGTTGTACATCTGGCAGGCAAAGGTTTT-3'
Protein context (NP_061116.5, residues 259-279): LLSYDRHGDH[Leu269Val]QPLDLVPNHQ